The following is an entry in ClinVar:

ClinVar aggregate classification (germline): Uncertain significance (0 of 4 stars; one submission).

Conditions:
CNTNAP4-related disorder. Also called: CNTNAP4-related condition.

Submission:

PreventionGenetics, part of Exact Sciences
Classification: Uncertain significance for CNTNAP4-related condition. Last evaluated: 2024-05-02. Review status: no assertion criteria provided. Collection method: clinical testing. Allele origin: germline.
Comment: The CNTNAP4 c.1461G>T is a noncoding alteration. To our knowledge, this variant has not been reported in the literature or in a large population database, indicating this variant is rare. At this time, the clinical significance of this variant is uncertain due to the absence of conclusive functional and genetic evidence.

NM_033401.5(CNTNAP4):c.1461G>T (p.Ser487=)

Gene: CNTNAP4 (contactin associated protein family member 4; plus strand). Cytogenetic location: 16q23.1.
Variant type: single nucleotide variant.
Coding change: c.1461G>T on transcript NM_033401.5 (MANE Select); coding-DNA position 1461, G replaced by T.
Protein change: p.Ser487=; no amino-acid change (serine 487 retained).
Molecular consequence: synonymous variant. On other transcripts: non-coding transcript variant (3), intron variant (1).
Genome position (GRCh38, 1-based): chr16:76,462,083, G>T. VCF-style: chr16-76462083-G-T. GRCh37 (hg19) VCF-style: chr16-76495980-G-T.
Other names: c.1461G>T, p.Ser487= (NM_001322179.2, NM_001322188.2); c.1074G>T, p.Ser358= (NM_001322180.2); c.1458G>T, p.Ser486= (NM_001322181.2); c.45G>T, p.Ser15= (NM_001322187.2); c.1197G>T, p.Ser399= (NM_001322189.2); c.1317G>T, p.Ser439= (NM_001322190.2); c.534G>T, p.Ser178= (NM_001322191.2); c.1242G>T, p.Ser414= (NM_138994.5); and 1 more.
Identifiers: ClinVar variation 3356500 (VCV003356500.1).
Genomic context (GRCh38, chr16:76,462,083, plus strand): 5'-GGCGGTGGACGGCCAGATGGCTTCTGCTGCTCCTCTGCTGGGGCCTGAGCAGATTTATTC[G>T]GGTGGCACCTATTATTTTGGAGGTAAGAATAGGTGCCAGGCTCTATGAGCAACTGAACCA-3'
Protein context (NP_207837.2, residues 477-497): APLLGPEQIY[Ser487=]GGTYYFGGCP